The following is an entry in ClinVar:

NM_003119.4(SPG7):c.1067C>T (p.Thr356Met)

Gene: SPG7 (SPG7 matrix AAA peptidase subunit, paraplegin; plus strand). Cytogenetic location: 16q24.3.
Variant type: single nucleotide variant.
Coding change: c.1067C>T on transcript NM_003119.4 (MANE Select); coding-DNA position 1067, C replaced by T.
Protein change: p.Thr356Met; replaces threonine 356 with methionine.
Molecular consequence: missense variant.
Genome position (GRCh38, 1-based): chr16:89,531,983, C>T. VCF-style: chr16-89531983-C-T. GRCh37 (hg19) VCF-style: chr16-89598391-C-T.
Other names: c.1067C>T, p.Thr356Met (NM_001363850.1, NM_199367.3); c.1067C>T (NM_003119.2); short protein forms T356M.
Identifiers: ClinVar variation 533736 (VCV000533736.12), dbSNP rs754903980, ClinGen allele CA8243930.

ClinVar aggregate classification (germline): Uncertain significance. Review status: criteria provided, multiple submitters, no conflicts (2 of 4 stars). 3 submissions from 3 submitters: Uncertain significance (3). Last evaluated 2025-11-23.

Conditions:
Hereditary spastic paraplegia 7 (SPG7). Also called: Spastic paraplegia 7; Hereditary spastic paraplegia Paraplegin type; Autosomal recessive spastic paraplegia type 7; SPG7-related neurologic disorder; SPASTIC PARAPLEGIA 7, AUTOSOMAL RECESSIVE, WITH OR WITHOUT CEREBELLAR ATAXIA. Identifiers: Orphanet 99013, MedGen C1846564, MONDO:0011803, OMIM 607259.

Allele frequency attached by ClinVar (database versions not stated): gnomAD exomes 0.00001; ExAC 0.00001.
gnomAD v4.1: 8 of 1,613,890 alleles (0.0005%); highest among the groups gnomAD compares: African/African-American, 0.0027%; no homozygotes.

Submissions (3):

Labcorp Genetics (formerly Invitae), Labcorp
Classification: Uncertain significance for Hereditary spastic paraplegia 7. Last evaluated: 2025-11-23. Review status: criteria provided, single submitter. Criteria: Invitae Variant Classification Sherloc (09022015). Collection method: clinical testing. Allele origin: germline.
Comment: This sequence change replaces threonine, which is neutral and polar, with methionine, which is neutral and non-polar, at codon 356 of the SPG7 protein (p.Thr356Met). This variant is present in population databases (rs754903980, gnomAD 0.003%). This missense change has been observed in individual(s) with ataxia and spasticity (PMID: 24727571). ClinVar contains an entry for this variant (Variation ID: 533736). Invitae Evidence Modeling of protein sequence and biophysical properties (such as structural, functional, and spatial information, amino acid conservation, physicochemical variation, residue mobility, and thermodynamic stability) indicates that this missense variant is expected to disrupt SPG7 protein function with a positive predictive value of 80%. In summary, the available evidence is currently insufficient to determine the role of this variant in disease. Therefore, it has been classified as a Variant of Uncertain Significance.

GeneDx
Classification: Uncertain significance. Last evaluated: 2024-04-19. Review status: criteria provided, single submitter. Criteria: GeneDx Variant Classification Process June 2021. Collection method: clinical testing. Allele origin: germline. Affected: yes.
Comment: Identified in the heterozygous state in a patient with progressive external ophthalmoplegia, spasticity, and ataxia in published literature (PMID: 24727571); Published functional studies suggest that this variant may contribute to COX-deficient fiber and mitochondrial defects associated with progressive external ophthalmoplegia; however, additional studies are needed to validate the functional effect of this variant in vivo (PMID: 24727571); Not observed at significant frequency in large population cohorts (gnomAD); In silico analysis supports that this missense variant has a deleterious effect on protein structure/function; This variant is associated with the following publications: (PMID: 22571692, 24727571, 31271879)

Blueprint Genetics
Classification: Uncertain significance. Last evaluated: 2022-07-29. Review status: criteria provided, single submitter. Criteria: ACMG Guidelines, 2015. Collection method: clinical testing. Allele origin: germline.

Literature cited by the submitters: PubMed 24727571 (cited by Labcorp Genetics (formerly Invitae), Labcorp).